The following is an entry in ClinVar:

NM_014365.3(HSPB8):c.297T>C (p.Cys99=)

Gene: HSPB8 (heat shock protein family B (small) member 8; plus strand). Cytogenetic location: 12q24.23.
Variant type: single nucleotide variant.
Coding change: c.297T>C on transcript NM_014365.3 (MANE Select); coding-DNA position 297, T replaced by C.
Protein change: p.Cys99=; no amino-acid change (cysteine 99 retained).
Molecular consequence: synonymous variant.
Genome position (GRCh38, 1-based): chr12:119,179,609, T>C. VCF-style: chr12-119179609-T-C. GRCh37 (hg19) VCF-style: chr12-119617414-T-C.
Identifiers: ClinVar variation 3036743 (VCV003036743.2), dbSNP rs1448722290, ClinGen allele CA482056187.
Genomic context (GRCh38, chr12:119,179,609, plus strand): 5'-TGGGGTGCCTGCCGAGGGCAGGACCCCCCCACCCTTCCCTGGGGAGCCCTGGAAAGTGTG[T>C]GTGAATGTGCACAGCTTCAAGCCAGAGGAGTTGATGGTGAAGACCAAAGATGGATACGTG-3'
Protein context (NP_055180.1, residues 89-109): PPFPGEPWKV[Cys99=]VNVHSFKPEE

ClinVar aggregate classification (germline): Likely benign (0 of 4 stars; one submission).

Conditions:
HSPB8-related disorder. Also called: HSPB8-related condition.

Allele frequency attached by ClinVar (database versions not stated): TOPMed below 0.00001; gnomAD 0.00001; gnomAD exomes 0.00002.
gnomAD v4.1: 11 of 1,607,066 alleles (0.00068%); highest among the groups gnomAD compares: Non-Finnish European, 0.00094%; no homozygotes.

Submission:

PreventionGenetics, part of Exact Sciences
Classification: Likely benign for HSPB8-related condition. Last evaluated: 2021-02-15. Review status: no assertion criteria provided. Collection method: clinical testing. Allele origin: germline.
Comment: This variant is classified as likely benign based on ACMG/AMP sequence variant interpretation guidelines (Richards et al. 2015 PMID: 25741868, with internal and published modifications).